The following is an entry in ClinVar:

NM_201384.3(PLEC):c.10514C>G (p.Pro3505Arg)

Gene: PLEC (plectin; minus strand). Cytogenetic location: 8q24.3.
Variant type: single nucleotide variant.
Coding change: c.10514C>G on transcript NM_201384.3 (MANE Select); coding-DNA position 10514, C replaced by G.
Protein change: p.Pro3505Arg; replaces proline 3505 with arginine.
Molecular consequence: missense variant.
Genome position (GRCh38, 1-based): chr8:143,919,307, G>C on the plus strand (C>G on the coding strand, the complement: PLEC is on the minus strand). VCF-style: chr8-143919307-G-C. GRCh37 (hg19) VCF-style: chr8-144993475-G-C.
Other names: c.10595C>G, p.Pro3532Arg (NM_000445.5); c.10472C>G, p.Pro3491Arg (NM_201378.4); c.10448C>G, p.Pro3483Arg (NM_201379.3); c.10925C>G, p.Pro3642Arg (NM_201380.4); c.10418C>G, p.Pro3473Arg (NM_201381.3); c.10514C>G, p.Pro3505Arg (NM_201382.4); c.10526C>G, p.Pro3509Arg (NM_201383.3); short protein forms P3491R, P3532R, P3483R, P3505R, P3473R, P3509R, P3642R.
Identifiers: ClinVar variation 538954 (VCV000538954.1), dbSNP rs1199435903, ClinGen allele CA372498213.

ClinVar aggregate classification (germline): Uncertain significance (1 of 4 stars; one submission).

Conditions:
Epidermolysis bullosa simplex with nail dystrophy (EBS5D). Identifiers: MedGen C4225309, MONDO:0014661, OMIM 616487.
Epidermolysis bullosa simplex 5B, with muscular dystrophy (EBS5B). Also called: EPIDERMOLYSIS BULLOSA SIMPLEX AND LIMB-GIRDLE MUSCULAR DYSTROPHY; Epidermolysis bullosa simplex with muscular dystrophy. Identifiers: Orphanet 257, MedGen C2931072, MONDO:0009181, OMIM 226670.
Epidermolysis bullosa simplex, Ogna type (EBS5A). Also called: Pidermolysis bullosa simplex 5A, Ogna type; EPIDERMOLYSIS BULLOSA SIMPLEX 5A, OGNA TYPE. Identifiers: Orphanet 79401, MedGen C0432317, MONDO:0007555, OMIM 131950.
Autosomal recessive limb-girdle muscular dystrophy type 2Q (LGMDR17). Also called: MUSCULAR DYSTROPHY, LIMB-GIRDLE, AUTOSOMAL RECESSIVE 17. Identifiers: Orphanet 254361, MedGen C3150989, MONDO:0013390, OMIM 613723.
Epidermolysis bullosa simplex 5C, with pyloric atresia (EBS5C). Also called: PLEC-Related Epidermolysis Bullosa with Pyloric Atresia; Epidermolysis bullosa simplex with pyloric atresia; PLEC1-Related Epidermolysis Bullosa with Pyloric Atresia. Identifiers: Orphanet 158684, MedGen C2677349, MONDO:0012807, OMIM 612138.

Allele frequency attached by ClinVar (database versions not stated): gnomAD 0.00001; TOPMed 0.00001.
gnomAD v4.1: 5 of 1,613,886 alleles (0.00031%); highest among the groups gnomAD compares: Non-Finnish European, 0.00042%; no homozygotes.

Submission:

Labcorp Genetics (formerly Invitae), Labcorp
Classification: Uncertain significance for Autosomal recessive limb-girdle muscular dystrophy type 2Q; Epidermolysis bullosa simplex, Ogna type; Epidermolysis bullosa simplex with nail dystrophy; Epidermolysis bullosa simplex 5C, with pyloric atresia; Epidermolysis bullosa simplex 5B, with muscular dystrophy. Last evaluated: 2017-11-01. Review status: criteria provided, single submitter. Criteria: Invitae Variant Classification Sherloc (09022015). Collection method: clinical testing. Allele origin: germline.
Comment: This sequence change replaces proline with arginine at codon 3532 of the PLEC protein (p.Pro3532Arg). The proline residue is highly conserved and there is a moderate physicochemical difference between proline and arginine. This variant is not present in population databases (ExAC no frequency). This variant has not been reported in the literature in individuals with PLEC-related disease. Algorithms developed to predict the effect of missense changes on protein structure and function (SIFT, PolyPhen-2, Align-GVGD) all suggest that this variant is likely to be disruptive, but these predictions have not been confirmed by published functional studies and their clinical significance is uncertain. In summary, the available evidence is currently insufficient to determine the role of this variant in disease. Therefore, it has been classified as a Variant of Uncertain Significance.